The following is an entry in ClinVar:

NM_000038.6(APC):c.6481A>C (p.Ser2161Arg)

Gene: APC (APC regulator of Wnt signaling pathway; plus strand). Cytogenetic location: 5q22.2.
Variant type: single nucleotide variant.
Coding change: c.6481A>C on transcript NM_000038.6 (MANE Select); coding-DNA position 6481, A replaced by C.
Protein change: p.Ser2161Arg; replaces serine 2161 with arginine.
Molecular consequence: missense variant.
Genome position (GRCh38, 1-based): chr5:112,842,075, A>C. VCF-style: chr5-112842075-A-C. GRCh37 (hg19) VCF-style: chr5-112177772-A-C.
Other names: c.6481A>C, p.Ser2161Arg (NM_001127510.3, NM_001354895.2); c.6427A>C, p.Ser2143Arg (NM_001127511.3); c.6535A>C, p.Ser2179Arg (NM_001354896.2); c.6511A>C, p.Ser2171Arg (NM_001354897.2); c.6406A>C, p.Ser2136Arg (NM_001354898.2); c.6397A>C, p.Ser2133Arg (NM_001354899.2); c.6358A>C, p.Ser2120Arg (NM_001354900.2); c.6304A>C, p.Ser2102Arg (NM_001354901.2); and 6 more; short protein forms S1878R, S2001R, S2035R, S2060R, S2070R, S2102R, S2120R, S2133R.
Identifiers: ClinVar variation 1025685 (VCV001025685.10), dbSNP rs1162723112, ClinGen allele CA16035514.

ClinVar aggregate classification (germline): Conflicting classifications of pathogenicity. Review status: criteria provided, conflicting classifications (1 of 4 stars). 3 submissions from 3 submitters: Uncertain significance (2); Likely benign (1). Last evaluated 2025-12-15.

Conditions:
Hereditary cancer-predisposing syndrome. Also called: Hereditary Cancer Syndrome; Neoplastic Syndromes, Hereditary; Tumor predisposition; Hereditary neoplastic syndrome. Identifiers: Orphanet 140162, MedGen C0027672, MeSH D009386, MONDO:0015356.
Familial adenomatous polyposis 1 (FAP1). Also called: FAMILIAL ADENOMATOUS POLYPOSIS 1, ATTENUATED; POLYPOSIS, ADENOMATOUS INTESTINAL. Identifiers: MedGen C2713442, MONDO:0021056, OMIM 175100. Disease mechanism: loss of function.
Classic or attenuated familial adenomatous polyposis. Identifiers: MedGen CN372698, MONDO:0021057.

Allele frequency attached by ClinVar (database versions not stated): TOPMed below 0.00001; gnomAD exomes 0.00001.
gnomAD v4.1: 3 of 1,611,998 alleles (0.00019%); highest among the groups gnomAD compares: Admixed American, 0.005%; no homozygotes.

Submissions (3):

Ambry Genetics
Classification: Likely benign for Hereditary cancer-predisposing syndrome. Last evaluated: 2025-12-15. Review status: criteria provided, single submitter. Criteria: Ambry Variant Classification Scheme 2023. Collection method: clinical testing. Allele origin: germline.

All of Us Research Program, National Institutes of Health
Classification: Uncertain significance for Classic or attenuated familial adenomatous polyposis. Last evaluated: 2024-05-30. Review status: criteria provided, single submitter. Criteria: ACMG Guidelines, 2015. Collection method: clinical testing. Allele origin: germline. Inheritance: Autosomal dominant inheritance. Observed: 1 variant allele, 1 heterozygote.
Comment: This missense variant replaces serine with arginine at codon 2161 of the APC protein. Computational prediction suggests that this variant may not impact protein structure and function (internally defined REVEL score threshold <= 0.5, PMID: 27666373). To our knowledge, functional studies have not been reported for this variant. This variant has not been reported in individuals affected with APC-related disorders in the literature. This variant has been identified in 3/250006 chromosomes in the general population by the Genome Aggregation Database (gnomAD). The available evidence is insufficient to determine the role of this variant in disease conclusively. Therefore, this variant is classified as a Variant of Uncertain Significance.

This study involves interpretation of variants in research participants for the purpose of population health screening. Participant phenotype was not available at the time of variant classification. Additional details can be found in publication PMID: 35346344, PMCID: PMC8962531

Labcorp Genetics (formerly Invitae), Labcorp
Classification: Uncertain significance for Familial adenomatous polyposis 1. Last evaluated: 2020-04-01. Review status: criteria provided, single submitter. Criteria: Invitae Variant Classification Sherloc (09022015). Collection method: clinical testing. Allele origin: germline.
Comment: This sequence change replaces serine with arginine at codon 2161 of the APC protein (p.Ser2161Arg). The serine residue is highly conserved and there is a moderate physicochemical difference between serine and arginine. In summary, the available evidence is currently insufficient to determine the role of this variant in disease. Therefore, it has been classified as a Variant of Uncertain Significance. Algorithms developed to predict the effect of missense changes on protein structure and function are either unavailable or do not agree on the potential impact of this missense change (SIFT: "Deleterious"; PolyPhen-2: "Benign"; Align-GVGD: "Class C0"). This variant has not been reported in the literature in individuals with APC-related conditions. This variant is not present in population databases (ExAC no frequency).